The following is an entry in ClinVar:

NM_001177701.3(IFT27):c.40C>T (p.Pro14Ser)

Gene: IFT27 (intraflagellar transport 27; minus strand). Cytogenetic location: 22q12.3.
Variant type: single nucleotide variant.
Coding change: c.40C>T on transcript NM_001177701.3 (MANE Select); coding-DNA position 40, C replaced by T.
Protein change: p.Pro14Ser; replaces proline 14 with serine.
Molecular consequence: missense variant.
Genome position (GRCh38, 1-based): chr22:36,767,857, G>A on the plus strand (C>T on the coding strand, the complement: IFT27 is on the minus strand). VCF-style: chr22-36767857-G-A. GRCh37 (hg19) VCF-style: chr22-37163901-G-A.
Other names: c.40C>T, p.Pro14Ser (NM_001363003.2); c.37C>T, p.Pro13Ser (NM_006860.5); short protein forms P13S, P14S.
Identifiers: ClinVar variation 965687 (VCV000965687.9), dbSNP rs751453758, ClinGen allele CA10212547.

ClinVar aggregate classification (germline): Uncertain significance. Review status: criteria provided, single submitter (1 of 4 stars). 2 submissions from 2 submitters: Uncertain significance (1). 1 of the submissions does not count toward it. Last evaluated 2025-04-16.

Conditions:
IFT27-related disorder. Also called: IFT27-related condition.

Allele frequency attached by ClinVar (database versions not stated): ExAC 0.00001; gnomAD exomes 0.00001; TOPMed 0.00001; gnomAD 0.00002.
gnomAD v4.1: 21 of 1,613,616 alleles (0.0013%); highest among the groups gnomAD compares: Non-Finnish European, 0.0017%; no homozygotes.

Submissions (2):

Labcorp Genetics (formerly Invitae), Labcorp
Classification: Uncertain significance. Last evaluated: 2025-04-16. Review status: criteria provided, single submitter. Criteria: Invitae Variant Classification Sherloc (09022015). Collection method: clinical testing. Allele origin: germline.
Comment: This sequence change replaces proline, which is neutral and non-polar, with serine, which is neutral and polar, at codon 13 of the IFT27 protein (p.Pro13Ser). This variant is present in population databases (rs751453758, gnomAD 0.003%). This variant has not been reported in the literature in individuals affected with IFT27-related conditions. ClinVar contains an entry for this variant (Variation ID: 965687). An algorithm developed to predict the effect of missense changes on protein structure and function outputs the following: PolyPhen-2: "Benign". The serine amino acid residue is found in multiple mammalian species, which suggests that this missense change does not adversely affect protein function. In summary, the available evidence is currently insufficient to determine the role of this variant in disease. Therefore, it has been classified as a Variant of Uncertain Significance.

PreventionGenetics, part of Exact Sciences
Classification: Uncertain significance for IFT27-related condition. Last evaluated: 2024-05-27. Review status: no assertion criteria provided. Collection method: clinical testing. Allele origin: germline. Not counted in ClinVar's aggregate classification.
Comment: The IFT27 c.37C>T variant is predicted to result in the amino acid substitution p.Pro13Ser. To our knowledge, this variant has not been reported in the literature. This variant is reported in 0.0026% of alleles in individuals of European (Non-Finnish) descent in gnomAD. At this time, the clinical significance of this variant is uncertain due to the absence of conclusive functional and genetic evidence.